The following is an entry in ClinVar:

NM_000038.6(APC):c.2571A>G (p.Gly857=)

Gene: APC (APC regulator of Wnt signaling pathway; plus strand). Cytogenetic location: 5q22.2.
Variant type: single nucleotide variant.
Coding change: c.2571A>G on transcript NM_000038.6 (MANE Select); coding-DNA position 2571, A replaced by G.
Protein change: p.Gly857=; no amino-acid change (glycine 857 retained).
Molecular consequence: synonymous variant.
Genome position (GRCh38, 1-based): chr5:112,838,165, A>G. VCF-style: chr5-112838165-A-G. GRCh37 (hg19) VCF-style: chr5-112173862-A-G.
Other names: c.2571A>G, p.Gly857= (NM_001127510.3, NM_001354895.2); c.2517A>G, p.Gly839= (NM_001127511.3); c.2625A>G, p.Gly875= (NM_001354896.2); c.2601A>G, p.Gly867= (NM_001354897.2); c.2496A>G, p.Gly832= (NM_001354898.2); c.2487A>G, p.Gly829= (NM_001354899.2); c.2448A>G, p.Gly816= (NM_001354900.2); c.2394A>G, p.Gly798= (NM_001354901.2); and 5 more.
Identifiers: ClinVar variation 628966 (VCV000628966.14), dbSNP rs1561578068, ClinGen allele CA445962887.

ClinVar aggregate classification (germline): Benign/Likely benign. Review status: criteria provided, multiple submitters, no conflicts (2 of 4 stars). 4 submissions from 4 submitters: Benign (1); Likely benign (3). Last evaluated 2025-05-15.

Conditions:
Hereditary cancer-predisposing syndrome. Also called: Neoplastic Syndromes, Hereditary; Tumor predisposition; Hereditary neoplastic syndrome; Hereditary Cancer Syndrome. Identifiers: Orphanet 140162, MedGen C0027672, MeSH D009386, MONDO:0015356.
Familial adenomatous polyposis 1 (FAP1). Also called: POLYPOSIS, ADENOMATOUS INTESTINAL; FAMILIAL ADENOMATOUS POLYPOSIS 1, ATTENUATED. Identifiers: MedGen C2713442, MONDO:0021056, OMIM 175100. Disease mechanism: loss of function.

gnomAD v4.1: 3 of 1,614,180 alleles (0.00019%); highest among the groups gnomAD compares: Middle Eastern, 0.017%; no homozygotes.

Submissions (4):

Labcorp Genetics (formerly Invitae), Labcorp
Classification: Likely benign for Familial adenomatous polyposis 1. Last evaluated: 2025-05-15. Review status: criteria provided, single submitter. Criteria: Invitae Variant Classification Sherloc (09022015). Collection method: clinical testing. Allele origin: germline.

Myriad Genetics, Inc.
Classification: Benign for Familial adenomatous polyposis 1. Last evaluated: 2024-03-14. Review status: criteria provided, single submitter. Criteria: Myriad Autosomal Dominant, Autosomal Recessive and X-Linked Classification Criteria (2023). Collection method: clinical testing. Allele origin: unknown.
Comment: This variant is considered benign. This variant is a silent/synonymous amino acid change and it is not expected to impact splicing.

Ambry Genetics
Classification: Likely benign for Hereditary cancer-predisposing syndrome. Last evaluated: 2021-07-20. Review status: criteria provided, single submitter. Criteria: Ambry Variant Classification Scheme 2023. Collection method: clinical testing. Allele origin: germline.

Color Diagnostics, LLC DBA Color Health
Classification: Likely benign for Hereditary cancer-predisposing syndrome. Last evaluated: 2018-08-07. Review status: criteria provided, single submitter. Criteria: ACMG Guidelines, 2015. Collection method: clinical testing. Allele origin: germline.